The following is an entry in ClinVar:

ClinVar aggregate classification (germline): Pathogenic (1 of 4 stars; one submission).

Conditions:
Inborn genetic diseases. Identifiers: MedGen C0950123, MeSH D030342.

Submission:

Ambry Genetics
Classification: Pathogenic for Inborn genetic diseases. Last evaluated: 2026-03-30. Review status: criteria provided, single submitter. Criteria: Ambry Variant Classification Scheme 2023. Collection method: clinical testing. Allele origin: germline.
Comment: The c.7065delC (p.E2356Rfs*45) alteration, located in exon 9 (coding exon 7) of the ANKRD11 gene, consists of a deletion of one nucleotide at position 7065, causing a translational frameshift with a predicted alternate stop codon after 45 amino acids. This variant is expected to result in loss of function by premature protein truncation or nonsense-mediated mRNA decay. This variant was not reported in population-based cohorts in the Genome Aggregation Database (gnomAD). Based on the available evidence, this alteration is classified as pathogenic.

NM_013275.6(ANKRD11):c.7065del (p.Glu2356fs)

Gene: ANKRD11 (ankyrin repeat domain 11; minus strand). Cytogenetic location: 16q24.3.
Variant type: Deletion.
Coding change: c.7065del on transcript NM_013275.6 (MANE Select); coding-DNA position 7065, one base deleted (C; older notation c.7065delC).
Protein change: p.Glu2356fs; shifts the reading frame from glutamic acid 2356.
Molecular consequence: frameshift variant.
Genome position (GRCh38, 1-based): chr16:89,279,477, G deleted on the plus strand (C on the coding strand, the reverse complement: ANKRD11 is on the minus strand); the first of 2 consecutive G bases (chr16:89,279,477-89,279,478); deleting either gives the same sequence. VCF-style (leftmost placement, unchanged base first): chr16-89279476-CG-C. GRCh37 (hg19) VCF-style: chr16-89345884-CG-C.
Other names: c.7065del, p.Glu2356fs (NM_001256182.2, NM_001256183.2); short protein forms E2356fs.
Identifiers: ClinVar variation 4858676 (VCV004858676.1).